The following is an entry in ClinVar:

NM_001330700.2(TOP2B):c.4616-1G>C

Gene: TOP2B (DNA topoisomerase II beta; minus strand). Cytogenetic location: 3p24.2.
Variant type: single nucleotide variant.
Coding change: c.4616-1G>C on transcript NM_001330700.2 (MANE Select); the canonical splice acceptor site of the intron before coding-DNA position 4616, G replaced by C.
Molecular consequence: splice acceptor variant.
Genome position (GRCh38, 1-based): chr3:25,599,530, C>G on the plus strand (G>C on the coding strand, the complement: TOP2B is on the minus strand). VCF-style: chr3-25599530-C-G. GRCh37 (hg19) VCF-style: chr3-25641021-C-G.
Other names: c.4601-1G>C (NM_001068.3).
Identifiers: ClinVar variation 2779369 (VCV002779369.3), dbSNP rs1336352789, ClinGen allele CA351890434.

ClinVar aggregate classification (germline): Uncertain significance (1 of 4 stars; one submission).

Allele frequency attached by ClinVar (database versions not stated): TOPMed below 0.00001; gnomAD 0.00001; gnomAD exomes 0.00001.
gnomAD v4.1: 17 of 1,610,316 alleles (0.0011%); highest among the groups gnomAD compares: Non-Finnish European, 0.0011%; no homozygotes.

Submission:

Labcorp Genetics (formerly Invitae), Labcorp
Classification: Uncertain significance. Last evaluated: 2023-11-19. Review status: criteria provided, single submitter. Criteria: Invitae Variant Classification Sherloc (09022015). Collection method: clinical testing. Allele origin: germline.
Comment: This sequence change affects an acceptor splice site in intron 34 of the TOP2B gene. It is expected to disrupt RNA splicing. Variants that disrupt the donor or acceptor splice site typically lead to a loss of protein function (PMID: 16199547), however the current clinical and genetic evidence is not sufficient to establish whether loss-of-function variants in TOP2B cause disease. This variant is not present in population databases (gnomAD no frequency). This variant has not been reported in the literature in individuals affected with TOP2B-related conditions. Algorithms developed to predict the effect of sequence changes on RNA splicing suggest that this variant may disrupt the consensus splice site. In summary, the available evidence is currently insufficient to determine the role of this variant in disease. Therefore, it has been classified as a Variant of Uncertain Significance.

Literature cited by the submitters: PubMed 16199547.